The following is an entry in ClinVar:

ClinVar aggregate classification (germline): Pathogenic. Review status: reviewed by expert panel (3 of 4 stars). 47 submissions from 44 submitters: Pathogenic (1). 46 of the submissions do not count toward it. Last evaluated 2018-09-14.

Conditions:
GJB2-related disorder. Also called: GJB2-related condition; GJB2-related disorders. Identifiers: MedGen CN382183, MONDO:1060236.
Rare genetic deafness. Identifiers: Orphanet 96210, MedGen C5680250.
Monogenic hearing loss.
Palmoplantar keratoderma-deafness syndrome. Also called: Keratoderma palmoplantar, with deafness; Palmoplantar keratoderma and sensorineural deafness; Hereditary palmoplantar keratoderma with deafness (subtype); Focal palmoplantar keratoderma with sensorineural deafness (subtype); Diffuse palmoplantar keratoderma with deafness (subtype). Identifiers: Orphanet 2202, MedGen C1835672, MONDO:0007852, OMIM 148350.
Knuckle pads, deafness AND leukonychia syndrome. Also called: Bart-Pumphrey syndrome. Identifiers: Orphanet 2698, MedGen C0266004, MONDO:0007866, OMIM 149200.
Mutilating keratoderma (VOWNKL). Also called: Keratoderma hereditarium mutilans. Identifiers: Orphanet 494, MedGen C0265964, MONDO:0007422, OMIM 124500.
Hearing loss. Identifiers: MedGen C3887873.
Inborn genetic diseases. Identifiers: MedGen C0950123, MeSH D030342.
Autosomal recessive nonsyndromic hearing loss 1A (DFNB1A). Also called: Deafness, autosomal recessive 1A; GJB2-Related Autosomal Recessive Nonsyndromic Hearing Loss; Connexin 26 deafness; Deafness nonsyndromic, Connexin 26 linked; Nonsyndromic Hearing Loss and Deafness, DFNB1; GJB6-Related DFNB 1 Nonsyndromic Hearing Loss and Deafness. Identifiers: Orphanet 90636, MedGen C2673759, MONDO:0009076, OMIM 220290.
Autosomal dominant keratitis-ichthyosis-hearing loss syndrome. Also called: HID SYNDROME; KID SYNDROME, AUTOSOMAL DOMINANT; Senter syndrome. Identifiers: Orphanet 477, MedGen C0265336, MONDO:0007850, OMIM 148210.
Autosomal dominant nonsyndromic hearing loss 3A. Identifiers: Orphanet 90635, MedGen C2675750, MONDO:0011103, OMIM 601544.
Ichthyosis, hystrix-like, with hearing loss. Also called: Hystrix-like ichthyosis with deafness. Identifiers: Orphanet 477, MedGen C1865234, MONDO:0011245.
Nonsyndromic genetic hearing loss. Also called: Nonsyndromic hearing loss and deafness; Non-syndromic genetic deafness; Nonsyndromic genetic deafness. Identifiers: Orphanet 87884, MedGen C5680182, MONDO:0019497.
Autosomal recessive nonsyndromic hearing loss 1B. Also called: DEAFNESS, AUTOSOMAL RECESSIVE 1B. Identifiers: Orphanet 90636, MedGen C2675235, MONDO:0012977, OMIM 612645.
Autism spectrum disorder. Also called: Autism spectrum disorders. Identifiers: MedGen C1510586, MeSH D000067877, MONDO:0005258.
Deafness, digenic, GJB2/GJB3. Identifiers: MedGen C2673761. Disease mechanism: loss of function.
Hearing impairment. Also called: Impaired Hearing. Identifiers: MedGen C1384666, MONDO:0005365, HP:0000365.

Submissions 1 to 6 of 47:

ClinGen Hearing Loss Variant Curation Expert Panel
Classification: Pathogenic for Nonsyndromic genetic hearing loss. Last evaluated: 2018-09-14. Review status: reviewed by expert panel. Criteria: ClinGen HL ACMG Specifications v1. Collection method: curation. Allele origin: germline. Inheritance: Autosomal recessive inheritance.
Comment: The filtering allele frequency of the p.Leu79CysfsX3 variant in the GJB2 gene is 0.55% (121/ 18870) of East Asian chromosomes by the Genome Aggregation Database (calculated by using inverse allele frequency at an online resource), which is a high enough frequency to be classified as benign based on thresholds defined by the ClinGen Hearing Loss Expert Panel for autosomal recessive hearing loss variants (BS1). The ClinGen Hearing Loss Expert Panel believes that the evidence for the pathogenicity of this variant for nonsyndromic hearing loss outweighs the high allele frequency of the variant in population databases. Therefore, the BS1 code will not contribute to the overall classification. The p.Leu79CysfsX3 variant in GJB2 is predicted to cause a premature stop codon in the only exon of the gene, leading to absent protein in a gene in which loss-of-function is an established mechanism (PVS1). This variant has been detected in patients with hearing loss in trans with at least 4 pathogenic or suspected-pathogenic variants (PM3_VS; PMID: 10983956, 10633133). A dye transfer assay, a functional study, has shown that the variant impacts protein function (PS3_M; PMID: 12352684). In summary, this variant meets criteria to be classified as pathogenic for autosomal recessive nonsyndromic hearing loss based on the ACMG/AMP criteria applied, as specified by the Hearing Loss Expert Panel: PVS1, PM3_VS, PS3_M, BS1.

Genetics Laboratory, Great Ormond Street Hospital NHS Foundation Trust, North Thames Genomic Laboratory Hub
Classification: Pathogenic for Monogenic hearing loss. Last evaluated: 2026-08-05. Review status: criteria provided, single submitter. Criteria: ACGS Best Practice Guidelines for Variant Classification in Rare Disease 2024 v1.2. Collection method: clinical testing. Allele origin: germline. Affected: yes. Not counted in ClinVar's aggregate classification.
Comment: PVS1_strong, PS3_moderate, PM3_very-strong

Ambry Genetics
Classification: Pathogenic for Inborn genetic diseases. Last evaluated: 2026-07-31. Review status: criteria provided, single submitter. Criteria: Ambry Variant Classification Scheme 2023. Collection method: clinical testing. Allele origin: germline. Not counted in ClinVar's aggregate classification.
Comment: The c.235delC (p.L79Cfs*3) alteration, located in exon 2 (coding exon 1) of the GJB2 gene, consists of a deletion of one nucleotide at position 235, causing a translational frameshift with a predicted alternate stop codon after 3 amino acids. This variant is not expected to trigger nonsense-mediated mRNA decay, and impacts the last 65% of the protein. However, premature stop codons are typically deleterious in nature and a significant portion of the protein is affected (Ambry internal data). for autosomal recessive GJB2-related nonsyndromic hearing loss; however, it is unlikely to be causative of autosomal dominant GJB2-related nonsyndromic hearing loss and autosomal dominant GJB2-related syndromic hearing loss with ectodermal involvement Based on data from gnomAD, this allele has an overall frequency of 0.047% (134/282792) total alleles studied. The highest observed frequency was 0.652% (130/19954) of East Asian alleles. This variant has been identified in the homozygous state and/or in conjunction with other GJB2 variant(s) in individual(s) with features consistent with GJB2-related nonsyndromic hearing loss; in at least one instance, the variants were identified in trans (Park, 2000; Wang, 2002; Liu, 2022). Based on the available evidence, this alteration is classified as pathogenic.

PreventionGenetics, part of Exact Sciences
Classification: Pathogenic for GJB2-related condition. Last evaluated: 2026-06-15. Review status: criteria provided, single submitter. Criteria: ACMG Guidelines, 2015. Collection method: clinical testing. Allele origin: germline. Not counted in ClinVar's aggregate classification.
Comment: The GJB2 c.235delC variant is predicted to result in a frameshift and premature protein termination (p.Leu79Cysfs*3). This variant has been reported to be causative for autosomal recessive non-syndromic hearing loss (Hwa et al. 2003. PubMed ID: 12792423; Chan et al. 2010. PubMed ID: 20154630; Pang et al. 2014. PubMed ID: 24945352; Xia et al. 2016. PubMed ID: 27045574). This variant is reported in 0.65% of alleles in individuals of East Asian descent in gnomAD. Frameshift variants in GJB2 are expected to be pathogenic. This variant is interpreted as pathogenic by the ClinGen Hearing Loss Variant Curation Expert Panel (Variation ID: 17014). This variant is interpreted as pathogenic.

Labcorp Genetics (formerly Invitae), Labcorp
Classification: Pathogenic. Last evaluated: 2026-02-04. Review status: criteria provided, single submitter. Criteria: Invitae Variant Classification Sherloc (09022015). Collection method: clinical testing. Allele origin: germline. Not counted in ClinVar's aggregate classification.
Comment: This sequence change creates a premature translational stop signal (p.Leu79Cysfs*3) in the GJB2 gene. While this is not anticipated to result in nonsense mediated decay, it is expected to disrupt the last 148 amino acid(s) of the GJB2 protein. This variant is present in population databases (rs80338943, gnomAD 0.6%), and has an allele count higher than expected for a pathogenic variant. This premature translational stop signal has been observed in individuals with autosomal recessive non-syndromic deafness (PMID: 10501520, 15479191, 17505205, 20739944, 22747691, 25266519, 26061264, 27045574). It is commonly reported in individuals of East Asian ancestry (PMID: 14505035). This variant is also known as c.233delC. ClinVar contains an entry for this variant (Variation ID: 17014). Algorithms developed to predict the effect of variants on gene product structure and function are not available or were not evaluated for this variant. Experimental studies have shown that this premature translational stop signal affects GJB2 function (PMID: 12352684, 20095872). For these reasons, this variant has been classified as Pathogenic.

Department of Otolaryngology Head and Neck Surgery, Hainan Hospital of the Chinese People’s Liberation Army General Hospital
Classification: Pathogenic for Autosomal recessive nonsyndromic hearing loss 1A. Last evaluated: 2026-02-01. Review status: criteria provided, single submitter. Criteria: ACMG Guidelines, 2015. Collection method: clinical testing. Allele origin: germline. Affected: yes. Observed: 28 variant alleles. Not counted in ClinVar's aggregate classification.
Comment: The GJB2 c.235delC (p.Leu79CysfsTer3) variant is a well-established frameshift mutation and the most prevalent GJB2 pathogenic variant in East Asian populations(Accession: VCV000017014.72) (Chau 2022). It is classified as pathogenic by the ClinGen Hearing Loss Expert Panel . This variant causes a frameshift resulting in premature termination and is predicted to result in a truncated protein or mRNA subject to nonsense-mediated decay (PVS1). Functional studies have demonstrated that this variant impairs gap junction channel activity (Choung 2002, Bruzzone 2003). In our cohort, individuals homozygous for c.235delC present with severe to profound bilateral hearing loss.

NM_004004.6(GJB2):c.235del (p.Leu79fs)

Gene: GJB2 (gap junction protein beta 2; minus strand). Cytogenetic location: 13q12.11.
Variant type: Deletion.
Coding change: c.235del on transcript NM_004004.6 (MANE Select); coding-DNA position 235, one base deleted (C; older notation c.235delC).
Protein change: p.Leu79fs; shifts the reading frame from leucine 79.
Genome position (GRCh38, 1-based): chr13:20,189,347, G deleted on the plus strand (C on the coding strand, the reverse complement: GJB2 is on the minus strand); the first of 3 consecutive G bases (chr13:20,189,347-20,189,349); deleting any one gives the same sequence. VCF-style (leftmost placement, unchanged base first): chr13-20189346-AG-A. GRCh37 (hg19) VCF-style: chr13-20763485-AG-A.
Other names: NM_004004.5(GJB2):c.235delC(p.Leu79Cysfs); NM_004004.5(GJB2):c.235delC; c.235_236delinsT (NM_004004.6); c.235delC (NM_004004.6); short protein forms L79fs.
Identifiers: ClinVar variation 17014 (VCV000017014.86), dbSNP rs80338943, ClinGen allele CA127025.